The following is an entry in ClinVar:

NM_003718.5(CDK13):c.498G>A (p.Thr166=)

Gene: CDK13 (cyclin dependent kinase 13; plus strand). Cytogenetic location: 7p14.1.
Variant type: single nucleotide variant.
Coding change: c.498G>A on transcript NM_003718.5 (MANE Select); coding-DNA position 498, G replaced by A.
Protein change: p.Thr166=; no amino-acid change (threonine 166 retained).
Molecular consequence: synonymous variant.
Genome position (GRCh38, 1-based): chr7:39,951,139, G>A. VCF-style: chr7-39951139-G-A. GRCh37 (hg19) VCF-style: chr7-39990738-G-A.
Other names: c.498G>A, p.Thr166= (NM_031267.4).
Identifiers: ClinVar variation 758557 (VCV000758557.9), dbSNP rs998375490, ClinGen allele CA157707169.

ClinVar aggregate classification (germline): Likely benign. Review status: criteria provided, multiple submitters, no conflicts (2 of 4 stars). 4 submissions from 4 submitters: Likely benign (3). 1 of the submissions does not count toward it. Last evaluated 2026-01-28.

Conditions:
CDK13-related disorder. Also called: CDK13-related condition. Identifiers: MedGen C5816700.

Allele frequency attached by ClinVar (database versions not stated): TOPMed 0.00014; gnomAD 0.00015 and 0.00016; gnomAD exomes 0.00030.
gnomAD v4.1: 346 of 1,242,766 alleles (0.028%); highest among the groups gnomAD compares: Non-Finnish European, 0.033%; no homozygotes.

Submissions (4):

Labcorp Genetics (formerly Invitae), Labcorp
Classification: Likely benign. Last evaluated: 2026-01-28. Review status: criteria provided, single submitter. Criteria: Invitae Variant Classification Sherloc (09022015). Collection method: clinical testing. Allele origin: germline.

Blueprint Genetics
Classification: Likely benign. Last evaluated: 2023-01-23. Review status: criteria provided, single submitter. Criteria: ACMG Guidelines, 2015. Collection method: clinical testing. Allele origin: germline.

Breakthrough Genomics
Classification: Likely benign. Review status: criteria provided, single submitter. Criteria: ACMG Guidelines, 2015. Collection method: not provided. Allele origin: germline. Inheritance: Autosomal dominant inheritance. Affected: yes.

PreventionGenetics, part of Exact Sciences
Classification: Likely benign for CDK13-related condition. Last evaluated: 2024-03-12. Review status: no assertion criteria provided. Collection method: clinical testing. Allele origin: germline. Not counted in ClinVar's aggregate classification.
Comment: This variant is classified as likely benign based on ACMG/AMP sequence variant interpretation guidelines (Richards et al. 2015 PMID: 25741868, with internal and published modifications).